The following is an entry in ClinVar:

ClinVar aggregate classification (germline): Uncertain significance (1 of 4 stars; one submission).

Conditions:
Multiple congenital anomalies-hypotonia-seizures syndrome 1 (MCAHS1). Also called: GLYCOSYLPHOSPHATIDYLINOSITOL BIOSYNTHESIS DEFECT 3; PIGN-CDG; Congenital disorder of glycosylation due to PIGN deficiency. Identifiers: Orphanet 280633, MedGen C3279775, MONDO:0013563, OMIM 614080.

Submission:

Labcorp Genetics (formerly Invitae), Labcorp
Classification: Uncertain significance for Multiple congenital anomalies-hypotonia-seizures syndrome 1. Last evaluated: 2023-05-22. Review status: criteria provided, single submitter. Criteria: Invitae Variant Classification Sherloc (09022015). Collection method: clinical testing. Allele origin: germline.
Comment: This sequence change replaces aspartic acid with glycine at codon 140 of the PIGN protein (p.Asp140Gly). The aspartic acid residue is highly conserved and there is a moderate physicochemical difference between aspartic acid and glycine. This variant is not present in population databases (gnomAD no frequency). This variant has not been reported in the literature in individuals affected with PIGN-related conditions. ClinVar contains an entry for this variant (Variation ID: 1450463). Advanced modeling of protein sequence and biophysical properties (such as structural, functional, and spatial information, amino acid conservation, physicochemical variation, residue mobility, and thermodynamic stability) performed at Invitae indicates that this missense variant is expected to disrupt PIGN protein function. In summary, the available evidence is currently insufficient to determine the role of this variant in disease. Therefore, it has been classified as a Variant of Uncertain Significance.

NM_176787.5(PIGN):c.419A>G (p.Asp140Gly)

Gene: PIGN (phosphatidylinositol glycan anchor biosynthesis class N; minus strand). Cytogenetic location: 18q21.33.
Variant type: single nucleotide variant.
Coding change: c.419A>G on transcript NM_176787.5 (MANE Select); coding-DNA position 419, A replaced by G.
Protein change: p.Asp140Gly; replaces aspartic acid 140 with glycine.
Molecular consequence: missense variant.
Genome position (GRCh38, 1-based): chr18:62,157,152, T>C on the plus strand (A>G on the coding strand, the complement: PIGN is on the minus strand). VCF-style: chr18-62157152-T-C. GRCh37 (hg19) VCF-style: chr18-59824385-T-C.
Other names: c.419A>G, p.Asp140Gly (NM_012327.6); short protein forms D140G.
Identifiers: ClinVar variation 1450463 (VCV001450463.6), dbSNP rs2147516022, ClinGen allele CA402603224.
Genomic context (GRCh38, chr18:62,157,152, plus strand): 5'-ATTTACTATCTGAGGAAACATAATCAGTGACTCTTACCTTTGGCAAACATAGGCAGGATA[T>C]CTGGGCTTCCCCAGCTCCATGTGTATTTACTTTCATTAAAAAGAGAATCAAACTCTACAG-3'
Protein context (NP_789744.1, residues 130-150): SKYTWSWGSP[Asp140Gly]ILPMFAKGAS